The following is an entry in ClinVar:

ClinVar aggregate classification (germline): Likely benign (1 of 4 stars; one submission).

Conditions:
DCHS1-related disorder. Also called: DCHS1-related condition.

gnomAD v4.1: 1 of 1,613,374 alleles (0.000062%); highest among the groups gnomAD compares: Admixed American, 0.0017%; no homozygotes.

Submission:

PreventionGenetics, part of Exact Sciences
Classification: Likely benign for DCHS1-related condition. Last evaluated: 2025-09-23. Review status: criteria provided, single submitter. Criteria: ACMG Guidelines, 2015. Collection method: clinical testing. Allele origin: germline.
Comment: This variant is classified as likely benign based on ACMG/AMP sequence variant interpretation guidelines (Richards et al. 2015 PMID: 25741868, with internal and published modifications).

NM_003737.4(DCHS1):c.3852G>C (p.Arg1284=)

Gene: DCHS1 (dachsous cadherin-related 1; minus strand). Cytogenetic location: 11p15.4.
Variant type: single nucleotide variant.
Coding change: c.3852G>C on transcript NM_003737.4 (MANE Select); coding-DNA position 3852, G replaced by C.
Protein change: p.Arg1284=; no amino-acid change (arginine 1284 retained).
Molecular consequence: synonymous variant.
Genome position (GRCh38, 1-based): chr11:6,631,131, C>G on the plus strand (G>C on the coding strand, the complement: DCHS1 is on the minus strand). VCF-style: chr11-6631131-C-G. GRCh37 (hg19) VCF-style: chr11-6652362-C-G.
Identifiers: ClinVar variation 4987778 (VCV004987778.1).
Genomic context (GRCh38, chr11:6,631,131, plus strand): 5'-GCTGGCACTTCGAGGAGGGCTGCCTTGGTCATGAGCACTCAGTGTCAGCACATAGTGGGG[C>G]CGCTCTGCTCGGATCAGGGGAGCTGCAGTGAGCAGCTCCCCTGAGTGAGGGTGCAGAGAG-3'
Protein context (NP_003728.1, residues 1274-1294): LTAAPLIRAE[Arg1284=]PHYVLTLSAH